The following is an entry in ClinVar:

ClinVar aggregate classification (germline): Pathogenic (1 of 4 stars; one submission).

Conditions:
Baller-Gerold syndrome (BGS). Also called: CRANIOSYNOSTOSIS WITH RADIAL DEFECTS. Identifiers: Orphanet 1225, MedGen C0265308, MONDO:0009039, OMIM 218600.

Submission:

Labcorp Genetics (formerly Invitae), Labcorp
Classification: Pathogenic for Baller-Gerold syndrome. Last evaluated: 2023-10-12. Review status: criteria provided, single submitter. Criteria: Invitae Variant Classification Sherloc (09022015). Collection method: clinical testing. Allele origin: germline.
Comment: This sequence change creates a premature translational stop signal (p.Trp728*) in the RECQL4 gene. It is expected to result in an absent or disrupted protein product. Loss-of-function variants in RECQL4 are known to be pathogenic (PMID: 12734318, 12952869). This variant is not present in population databases (gnomAD no frequency). This variant has not been reported in the literature in individuals affected with RECQL4-related conditions. ClinVar contains an entry for this variant (Variation ID: 1954977). For these reasons, this variant has been classified as Pathogenic.

Literature cited by the submitters: PubMed 12734318; PubMed 12952869.

NM_004260.4(RECQL4):c.2183G>A (p.Trp728Ter)

Gene: RECQL4 (RecQ like helicase 4; minus strand). Cytogenetic location: 8q24.3.
Variant type: single nucleotide variant.
Coding change: c.2183G>A on transcript NM_004260.4 (MANE Select); coding-DNA position 2183, G replaced by A.
Protein change: p.Trp728Ter; replaces tryptophan 728 with a stop codon.
Molecular consequence: nonsense.
Genome position (GRCh38, 1-based): chr8:144,513,588, C>T on the plus strand (G>A on the coding strand, the complement: RECQL4 is on the minus strand). VCF-style: chr8-144513588-C-T. GRCh37 (hg19) VCF-style: chr8-145738972-C-T.
Other names: c.2087G>A, p.Trp696Ter (NM_001413017.1, NM_001413020.1); c.2183G>A, p.Trp728Ter (NM_001413018.1, NM_001413019.1, NM_001413036.1); c.1112G>A, p.Trp371Ter (NM_001413021.1, NM_001413022.1, NM_001413023.1 and 6 more transcripts); c.2054G>A, p.Trp685Ter (NM_001413025.1); c.1046G>A, p.Trp349Ter (NM_001413027.1, NM_001413030.1, NM_001413032.1 and 1 more transcripts); c.1832G>A, p.Trp611Ter (NM_001413029.1); c.914G>A, p.Trp305Ter (NM_001413031.1); c.2051G>A, p.Trp684Ter (NM_001413033.1); and 4 more; short protein forms W305*, W327*, W611*, W685*, W361*, W718*, W349*, W371*.
Identifiers: ClinVar variation 1954977 (VCV001954977.5), dbSNP rs2130682673, ClinGen allele CA372679613.
Genomic context (GRCh38, chr8:144,513,588, plus strand): 5'-CCAAGGTGGGTCCACGGGGACACCAGCTCTGTCCATGCCGCACCTCCAGACCCTGGGACC[C>T]AGGCTGCGTGCAGGCAGGTTCGGAGGAGCGCAGCGATCCGCTCTGTGTCCTCGCGCCGGT-3'